The following is an entry in ClinVar:

ClinVar aggregate classification (germline): Pathogenic/Likely pathogenic. Review status: criteria provided, single submitter (1 of 4 stars). 2 submissions from 1 submitter: Pathogenic (1); Likely pathogenic (1). Last evaluated 2023-11-14.

Conditions:
Classic homocystinuria. Also called: Homocystinuria due to CBS deficiency; Cystathionine beta-synthase deficiency; CBS deficiency; Homocystinuria due to Cystathionine Beta-Synthase Deficiency; HOMOCYSTINURIA WITH OR WITHOUT RESPONSE TO PYRIDOXINE. Identifiers: Orphanet 394, MedGen C0751202, MONDO:0009352, OMIM 236200.
HYPERHOMOCYSTEINEMIA, THROMBOTIC, CBS-RELATED. Identifiers: MedGen C3150344, OMIM 236200.

Submissions (2):

Labcorp Genetics (formerly Invitae), Labcorp
Classification: Pathogenic for HYPERHOMOCYSTEINEMIA, THROMBOTIC, CBS-RELATED. Last evaluated: 2023-11-14. Review status: criteria provided, single submitter. Criteria: Invitae Variant Classification Sherloc (09022015). Collection method: clinical testing. Allele origin: germline.
Comment: This variant results in a copy number gain of the genomic region encompassing exon(s) 11-12 of the CBS gene. While the exact position of this variant cannot be determined from the data, sub-genic copy number gains are generally in tandem (PMID: 25640679). This variant is predicted to be out-of-frame, and may result in an absent or disrupted protein product. Loss-of-function variants in CBS are known to be pathogenic (PMID: 10338090, 12124992). A similar copy number variant has been observed in individuals with homocystinuria (Invitae). For these reasons, this variant has been classified as Pathogenic.

Labcorp Genetics (formerly Invitae), Labcorp
Classification: Likely pathogenic for HYPERHOMOCYSTEINEMIA, THROMBOTIC, CBS-RELATED. Last evaluated: 2019-12-20. Review status: criteria provided, single submitter. Criteria: Invitae Variant Classification Sherloc (09022015). Collection method: clinical testing. Allele origin: germline.
Comment: This variant results in a copy number gain of the genomic region encompassing exons 11-12 of the CBS gene. While the exact position of this variant cannot be determined from this data, sub-genic copy number gains are generally in tandem (PMID: 25640679) and may result in an absent or disrupted protein product. Loss-of-function variants in CBS are known to be pathogenic (PMID: 10338090, 12124992). In summary, the currently available evidence indicates that the variant is pathogenic, but additional data are needed to prove that conclusively. Therefore, this variant has been classified as Likely Pathogenic.

Literature cited by the submitters: PubMed 25640679; PubMed 10338090; PubMed 12124992.

NC_000021.9:g.(?_43060421)_(43062415_?)dup

Gene: CBS (cystathionine beta-synthase; minus strand). Cytogenetic location: 21q22.3.
Variant type: Duplication.
Identifiers: ClinVar variation 831332 (VCV000831332.6).